The following is an entry in ClinVar:

ClinVar aggregate classification (germline): Uncertain significance (1 of 4 stars; one submission).

Conditions:
Immunodeficiency 28 (IMD28). Also called: IFNGR2 DEFICIENCY. Identifiers: Orphanet 319547, Orphanet 319574, MedGen C4013947, MONDO:0013953, OMIM 614889.

Allele frequency attached by ClinVar (database versions not stated): gnomAD exomes below 0.00001.
gnomAD v4.1: 6 of 1,614,022 alleles (0.00037%); highest among the groups gnomAD compares: Non-Finnish European, 0.00051%; no homozygotes.

Submission:

Labcorp Genetics (formerly Invitae), Labcorp
Classification: Uncertain significance for Immunodeficiency 28. Last evaluated: 2022-05-08. Review status: criteria provided, single submitter. Criteria: Invitae Variant Classification Sherloc (09022015). Collection method: clinical testing. Allele origin: germline.
Comment: In summary, the available evidence is currently insufficient to determine the role of this variant in disease. Therefore, it has been classified as a Variant of Uncertain Significance. Algorithms developed to predict the effect of missense changes on protein structure and function output the following: SIFT: "Tolerated"; PolyPhen-2: "Benign"; Align-GVGD: "Class C0". The aspartic acid amino acid residue is found in multiple mammalian species, which suggests that this missense change does not adversely affect protein function. This variant has not been reported in the literature in individuals affected with IFNGR2-related conditions. This variant is not present in population databases (gnomAD no frequency). This sequence change replaces glycine, which is neutral and non-polar, with aspartic acid, which is acidic and polar, at codon 190 of the IFNGR2 protein (p.Gly190Asp).

NM_005534.4(IFNGR2):c.569G>A (p.Gly190Asp)

Gene: IFNGR2 (interferon gamma receptor 2; plus strand). Cytogenetic location: 21q22.11.
Variant type: single nucleotide variant.
Coding change: c.569G>A on transcript NM_005534.4 (MANE Select); coding-DNA position 569, G replaced by A.
Protein change: p.Gly190Asp; replaces glycine 190 with aspartic acid.
Molecular consequence: missense variant.
Genome position (GRCh38, 1-based): chr21:33,432,184, G>A. VCF-style: chr21-33432184-G-A. GRCh37 (hg19) VCF-style: chr21-34804491-G-A.
Other names: c.626G>A, p.Gly209Asp (NM_001329128.2); short protein forms G209D, G190D.
Identifiers: ClinVar variation 2126036 (VCV002126036.4), dbSNP rs2516950936, ClinGen allele CA410111711.
Genomic context (GRCh38, chr21:33,432,184, plus strand): 5'-AGGCAGCTTGGCCATGTTCATTTACATGTGTGCTTGTGATGTTTTTAAAACAGGTCAAAG[G>A]CCCTTTCAGAAGCAACTCCATTTCATTGGATAACTTAAAACCCTCCAGAGTGTACTGTTT-3'
Protein context (NP_005525.2, residues 180-200): WEKGGIQQVK[Gly190Asp]PFRSNSISLD